The following is an entry in ClinVar:

ClinVar aggregate classification (germline): Uncertain significance (1 of 4 stars; one submission).

Submission:

GeneDx
Classification: Uncertain significance. Last evaluated: 2023-11-29. Review status: criteria provided, single submitter. Criteria: GeneDx Variant Classification Process June 2021. Collection method: clinical testing. Allele origin: germline.
Comment: Not observed at significant frequency in large population cohorts (gnomAD); Nonsense variant predicted to result in protein truncation or nonsense mediated decay in a gene or region of a gene for which loss of function is not a well-established mechanism of disease; Has not been previously published as pathogenic or benign to our knowledge; Variants in candidate genes are classified as variants of uncertain significance in accordance with ACMG guidelines (PMID: 25741868)

NM_001103146.3(GIGYF2):c.1833_1834insT (p.Arg612Ter)

Gene: GIGYF2 (GRB10 interacting GYF protein 2; plus strand). Cytogenetic location: 2q37.1.
Variant type: Insertion.
Coding change: c.1833_1834insT on transcript NM_001103146.3 (MANE Select); coding-DNA positions 1833 to 1834, T inserted.
Protein change: p.Arg612Ter; replaces arginine 612 with a stop codon.
Molecular consequence: nonsense. On other transcripts: non-coding transcript variant (1).
Genome position: GRCh38 VCF-style: chr2-232809746-C-CT. GRCh37 (hg19) VCF-style: chr2-233674456-C-CT.
Other names: c.1896_1897insT, p.Arg633Ter (NM_001103147.2); c.1815_1816insT, p.Arg606Ter (NM_001103148.2); c.1833_1834insT, p.Arg612Ter (NM_015575.4); short protein forms R606*, R612*, R633*.
Identifiers: ClinVar variation 4891423 (VCV004891423.1).